The following is an entry in ClinVar:

ClinVar aggregate classification (germline): Uncertain significance. Review status: criteria provided, multiple submitters, no conflicts (2 of 4 stars). 2 submissions from 2 submitters: Uncertain significance (2). Last evaluated 2024-07-30.

Conditions:
Familial adenomatous polyposis 1 (FAP1). Also called: FAMILIAL ADENOMATOUS POLYPOSIS 1, ATTENUATED; POLYPOSIS, ADENOMATOUS INTESTINAL. Identifiers: MedGen C2713442, MONDO:0021056, OMIM 175100. Disease mechanism: loss of function.

Submissions (2):

Labcorp Genetics (formerly Invitae), Labcorp
Classification: Uncertain significance for Familial adenomatous polyposis 1. Last evaluated: 2024-07-30. Review status: criteria provided, single submitter. Criteria: Invitae Variant Classification Sherloc (09022015). Collection method: clinical testing. Allele origin: germline.
Comment: This sequence change replaces histidine, which is basic and polar, with aspartic acid, which is acidic and polar, at codon 325 of the APC protein (p.His325Asp). This variant is not present in population databases (gnomAD no frequency). This variant has not been reported in the literature in individuals affected with APC-related conditions. Advanced modeling of protein sequence and biophysical properties (such as structural, functional, and spatial information, amino acid conservation, physicochemical variation, residue mobility, and thermodynamic stability) performed at Invitae indicates that this missense variant is not expected to disrupt APC protein function with a negative predictive value of 95%. In summary, the available evidence is currently insufficient to determine the role of this variant in disease. Therefore, it has been classified as a Variant of Uncertain Significance.

Baylor Genetics
Classification: Uncertain significance for Familial adenomatous polyposis 1. Last evaluated: 2023-10-04. Review status: criteria provided, single submitter. Criteria: ACMG Guidelines, 2015. Collection method: clinical testing. Allele origin: unknown.

NM_000038.6(APC):c.973C>G (p.His325Asp)

Gene: APC (APC regulator of Wnt signaling pathway; plus strand). Cytogenetic location: 5q22.2.
Variant type: single nucleotide variant.
Coding change: c.973C>G on transcript NM_000038.6 (MANE Select); coding-DNA position 973, C replaced by G.
Protein change: p.His325Asp; replaces histidine 325 with aspartic acid.
Molecular consequence: missense variant. On other transcripts: non-coding transcript variant (2), intron variant (15).
Genome position (GRCh38, 1-based): chr5:112,819,005, C>G. VCF-style: chr5-112819005-C-G. GRCh37 (hg19) VCF-style: chr5-112154702-C-G.
Other names: c.973C>G, p.His325Asp (NM_001127510.3, NM_001354895.2, NM_001354896.2 and 4 more transcripts); c.919C>G, p.His307Asp (NM_001127511.3); c.1003C>G, p.His335Asp (NM_001354897.2, NM_001407446.1); c.898C>G, p.His300Asp (NM_001354898.2, NM_001407451.1); c.889C>G, p.His297Asp (NM_001354899.2, NM_001407452.1); c.796C>G, p.His266Asp (NM_001354900.2, NM_001354901.2, NM_001407453.1); c.124C>G, p.His42Asp (NM_001354906.2, NM_001407470.1); c.85-264C>G (NM_001407472.1, NM_001407471.1); and 5 more; short protein forms H266D, H297D, H300D, H307D, H325D, H335D, H42D.
Identifiers: ClinVar variation 2676964 (VCV002676964.3), dbSNP rs1580527803, ClinGen allele CA16023438.